The following is an entry in ClinVar:

ClinVar aggregate classification (germline): Pathogenic (1 of 4 stars; one submission).

Allele frequency attached by ClinVar (database versions not stated): TOPMed below 0.00001; ExAC 0.00001; gnomAD exomes 0.00001.
gnomAD v4.1: 3 of 1,614,224 alleles (0.00019%); highest among the groups gnomAD compares: Admixed American, 0.005%; no homozygotes.

Submission:

Labcorp Genetics (formerly Invitae), Labcorp
Classification: Pathogenic. Last evaluated: 2023-07-17. Review status: criteria provided, single submitter. Criteria: Invitae Variant Classification Sherloc (09022015). Collection method: clinical testing. Allele origin: germline.
Comment: For these reasons, this variant has been classified as Pathogenic. This variant has not been reported in the literature in individuals affected with TG-related conditions. This variant is present in population databases (rs760105184, gnomAD 0.006%). This sequence change creates a premature translational stop signal (p.Glu811*) in the TG gene. It is expected to result in an absent or disrupted protein product. Loss-of-function variants in TG are known to be pathogenic (PMID: 19837936, 23164529).

Literature cited by the submitters: PubMed 19837936; PubMed 23164529.

NM_003235.5(TG):c.2431G>T (p.Glu811Ter)

Gene: TG (thyroglobulin; plus strand). Cytogenetic location: 8q24.22.
Variant type: single nucleotide variant.
Coding change: c.2431G>T on transcript NM_003235.5 (MANE Select); coding-DNA position 2431, G replaced by T.
Protein change: p.Glu811Ter; replaces glutamic acid 811 with a stop codon.
Molecular consequence: nonsense.
Genome position (GRCh38, 1-based): chr8:132,888,238, G>T. VCF-style: chr8-132888238-G-T. GRCh37 (hg19) VCF-style: chr8-133900483-G-T.
Other names: short protein forms E811*.
Identifiers: ClinVar variation 2993749 (VCV002993749.3), dbSNP rs760105184, ClinGen allele CA4883402.
Genomic context (GRCh38, chr8:132,888,238, plus strand): 5'-CAGAACAAGGGCCAGGATCTGACGCCTGCCAAGCTGCTAGTGAAGATCATGAGCTACAGA[G>T]AAGCAGCTTCCGGAAACTTCAGTCTCTTTATTCAAAGTCTGTATGAGGCTGGCCAGCAAG-3'